The following is an entry in ClinVar:

ClinVar aggregate classification (germline): Uncertain significance. Review status: criteria provided, multiple submitters, no conflicts (2 of 4 stars). 5 submissions from 5 submitters: Uncertain significance (4). 1 of the submissions does not count toward it. Last evaluated 2023-04-11.

Conditions:
Inborn genetic diseases. Identifiers: MedGen C0950123, MeSH D030342.
Hereditary insensitivity to pain with anhidrosis (CIPA). Also called: INSENSITIVITY TO PAIN, CONGENITAL, WITH ANHIDROSIS; NTRK1 Congenital Insensitivity to Pain with Anhidrosis; HSAN Type IV; FAMILIAL DYSAUTONOMIA, TYPE II; hereditary sensory and autonomic neuropathy type 4; NEUROPATHY, CONGENITAL SENSORY, WITH ANHIDROSIS. Identifiers: Orphanet 642, MedGen C0020074, MONDO:0009746, OMIM 256800.

Allele frequency attached by ClinVar (database versions not stated): gnomAD exomes below 0.00001 and 0.00002; ExAC 0.00002; gnomAD 0.00005; 1000 Genomes Project 0.00020; TOPMed 0.00002; 1000 Genomes Project 30x 0.00047.

Submissions (5):

Genome-Nilou Lab
Classification: Uncertain significance for Hereditary insensitivity to pain with anhidrosis. Last evaluated: 2023-04-11. Review status: criteria provided, single submitter. Criteria: ACMG Guidelines, 2015. Collection method: clinical testing. Allele origin: germline. Affected: no.

Labcorp Genetics (formerly Invitae), Labcorp
Classification: Uncertain significance for Hereditary insensitivity to pain with anhidrosis. Last evaluated: 2022-08-05. Review status: criteria provided, single submitter. Criteria: Invitae Variant Classification Sherloc (09022015). Collection method: clinical testing. Allele origin: germline.
Comment: This sequence change replaces valine, which is neutral and non-polar, with methionine, which is neutral and non-polar, at codon 263 of the NTRK1 protein (p.Val263Met). This variant is present in population databases (rs201509717, gnomAD 0.01%). This variant has not been reported in the literature in individuals affected with NTRK1-related conditions. ClinVar contains an entry for this variant (Variation ID: 991735). Advanced modeling of protein sequence and biophysical properties (such as structural, functional, and spatial information, amino acid conservation, physicochemical variation, residue mobility, and thermodynamic stability) performed at Invitae indicates that this missense variant is not expected to disrupt NTRK1 protein function. In summary, the available evidence is currently insufficient to determine the role of this variant in disease. Therefore, it has been classified as a Variant of Uncertain Significance.

Ambry Genetics
Classification: Uncertain significance for Inborn genetic diseases. Last evaluated: 2022-07-11. Review status: criteria provided, single submitter. Criteria: Ambry Variant Classification Scheme 2023. Collection method: clinical testing. Allele origin: germline.
Comment: The p.V263M variant (also known as c.787G>A), located in coding exon 7 of the NTRK1 gene, results from a G to A substitution at nucleotide position 787. The valine at codon 263 is replaced by methionine, an amino acid with highly similar properties. This amino acid position is well conserved in available vertebrate species. In addition, this alteration is predicted to be tolerated by in silico analysis. Since supporting evidence is limited at this time, the clinical significance of this alteration remains unclear.

Department of Pathology and Laboratory Medicine, Sinai Health System
Classification: Uncertain significance for Hereditary insensitivity to pain with anhidrosis. Last evaluated: 2022-04-01. Review status: criteria provided, single submitter. Criteria: ACMG Guidelines, 2015. Collection method: research. Allele origin: germline.

Natera, Inc.
Classification: Uncertain significance for Hereditary insensitivity to pain with anhidrosis. Last evaluated: 2020-04-17. Review status: no assertion criteria provided. Collection method: clinical testing. Allele origin: germline. Not counted in ClinVar's aggregate classification.

NM_002529.4(NTRK1):c.787G>A (p.Val263Met)

Gene: NTRK1 (neurotrophic receptor tyrosine kinase 1; plus strand). Cytogenetic location: 1q23.1.
Variant type: single nucleotide variant.
Coding change: c.787G>A on transcript NM_002529.4 (MANE Select); coding-DNA position 787, G replaced by A.
Protein change: p.Val263Met; replaces valine 263 with methionine.
Molecular consequence: missense variant.
Genome position (GRCh38, 1-based): chr1:156,871,692, G>A. VCF-style: chr1-156871692-G-A. GRCh37 (hg19) VCF-style: chr1-156841484-G-A.
Other names: c.697G>A, p.Val233Met (NM_001007792.1); c.787G>A, p.Val263Met (NM_001012331.2); short protein forms V233M, V263M.
Identifiers: ClinVar variation 991735 (VCV000991735.6), dbSNP rs201509717, ClinGen allele CA1169093.
Genomic context (GRCh38, chr1:156,871,692, plus strand): 5'-GGTCTGCCATCCCTGGGGCTGACCCTGGCCAATGTCACCAGTGACCTCAACAGGAAGAAC[G>A]TGACGTGCTGGGCAGAGAACGATGTGGGCCGGGCAGAGGTCTCTGTTCAGGTCAACGTCT-3'
Protein context (NP_002520.2, residues 253-273): NVTSDLNRKN[Val263Met]TCWAENDVGR